The following is an entry in ClinVar:

NM_001367624.2(ZNF469):c.1275C>T (p.Thr425=)

Gene: ZNF469 (zinc finger protein 469; plus strand). Cytogenetic location: 16q24.2.
Variant type: single nucleotide variant.
Coding change: c.1275C>T on transcript NM_001367624.2 (MANE Select); coding-DNA position 1275, C replaced by T.
Protein change: p.Thr425=; no amino-acid change (threonine 425 retained).
Molecular consequence: synonymous variant.
Genome position (GRCh38, 1-based): chr16:88,428,745, C>T. VCF-style: chr16-88428745-C-T. GRCh37 (hg19) VCF-style: chr16-88495153-C-T.
Other names: NM_001127464.1:c.1275C>T; p.Thr425=; NM_001127464.2:c.1275C>T.
Identifiers: ClinVar variation 1203207 (VCV001203207.15), dbSNP rs779376868, ClinGen allele CA8224668.

ClinVar aggregate classification (germline): Likely benign. Review status: criteria provided, multiple submitters, no conflicts (2 of 4 stars). 5 submissions from 5 submitters: Likely benign (5). Last evaluated 2026-09-04.

Conditions:
Cardiovascular phenotype. Identifiers: MedGen CN230736.
ZNF469-related disorder. Also called: ZNF469-related condition.

Allele frequency attached by ClinVar (database versions not stated): gnomAD 0.00006; TOPMed 0.00006.
gnomAD v4.1: 195 of 1,546,436 alleles (0.013%); highest among the groups gnomAD compares: Non-Finnish European, 0.016%; no homozygotes.

Submissions (5):

PreventionGenetics, part of Exact Sciences
Classification: Likely benign for ZNF469-related condition. Last evaluated: 2026-09-04. Review status: criteria provided, single submitter. Criteria: ACMG Guidelines, 2015. Collection method: clinical testing. Allele origin: germline.
Comment: This variant is classified as likely benign based on ACMG/AMP sequence variant interpretation guidelines (Richards et al. 2015 PMID: 25741868, with internal and published modifications).

Labcorp Genetics (formerly Invitae), Labcorp
Classification: Likely benign. Last evaluated: 2025-12-11. Review status: criteria provided, single submitter. Criteria: Invitae Variant Classification Sherloc (09022015). Collection method: clinical testing. Allele origin: germline.

Mayo Clinic Laboratories, Mayo Clinic
Classification: Likely benign. Last evaluated: 2025-11-21. Review status: criteria provided, single submitter. Criteria: ACMG Guidelines, 2015. Collection method: clinical testing. Allele origin: germline. Observed: 1 variant allele.
Comment: BP4, BP7

GeneDx
Classification: Likely benign. Last evaluated: 2020-12-10. Review status: criteria provided, single submitter. Criteria: GeneDx Variant Classification Process June 2021. Collection method: clinical testing. Allele origin: germline. Affected: yes.

Ambry Genetics
Classification: Likely benign for Cardiovascular phenotype. Last evaluated: 2020-09-13. Review status: criteria provided, single submitter. Criteria: Ambry Variant Classification Scheme 2023. Collection method: clinical testing. Allele origin: germline.